The following is an entry in ClinVar:

ClinVar aggregate classification (germline): Likely benign (0 of 4 stars; one submission).

Conditions:
PLXNA3-related disorder. Also called: PLXNA3-related condition.

Allele frequency attached by ClinVar (database versions not stated): ExAC 0.00006; TOPMed 0.00007; gnomAD 0.00013; gnomAD exomes 0.00015; ESP Exome Variant Server 0.00019; 1000 Genomes Project 30x 0.00021; 1000 Genomes Project 0.00026.

Submission:

PreventionGenetics, part of Exact Sciences
Classification: Likely benign for PLXNA3-related condition. Last evaluated: 2022-09-15. Review status: no assertion criteria provided. Collection method: clinical testing. Allele origin: germline.
Comment: This variant is classified as likely benign based on ACMG/AMP sequence variant interpretation guidelines (Richards et al. 2015 PMID: 25741868, with internal and published modifications).

NM_017514.5(PLXNA3):c.657C>T (p.Tyr219=)

Gene: PLXNA3 (plexin A3; plus strand). Cytogenetic location: Xq28.
Variant type: single nucleotide variant.
Coding change: c.657C>T on transcript NM_017514.5 (MANE Select); coding-DNA position 657, C replaced by T.
Protein change: p.Tyr219=; no amino-acid change (tyrosine 219 retained).
Molecular consequence: synonymous variant.
Genome position (GRCh38, 1-based): chrX:154,461,161, C>T. VCF-style: chrX-154461161-C-T. GRCh37 (hg19) VCF-style: chrX-153689501-C-T.
Identifiers: ClinVar variation 3036053 (VCV003036053.2), dbSNP rs150235336, ClinGen allele CA10563775.